The following is an entry in ClinVar:

ClinVar aggregate classification (germline): Uncertain significance (1 of 4 stars; one submission).

Conditions:
Cataract 9 multiple types. Also called: Cataract 9, multiple types, with or without microcornea; Cataract, autosomal recessive congenital 1. Identifiers: Orphanet 1377, MedGen C1858679, MONDO:0011413, OMIM 604219.

Submission:

Labcorp Genetics (formerly Invitae), Labcorp
Classification: Uncertain significance for Cataract 9 multiple types. Last evaluated: 2023-05-11. Review status: criteria provided, single submitter. Criteria: Invitae Variant Classification Sherloc (09022015). Collection method: clinical testing. Allele origin: germline.
Comment: In summary, the available evidence is currently insufficient to determine the role of this variant in disease. Therefore, it has been classified as a Variant of Uncertain Significance. Algorithms developed to predict the effect of sequence changes on RNA splicing suggest that this variant may disrupt the consensus splice site. This variant has not been reported in the literature in individuals affected with CRYAA-related conditions. This variant is not present in population databases (gnomAD no frequency). This sequence change falls in intron 1 of the CRYAA gene. It does not directly change the encoded amino acid sequence of the CRYAA protein.

NM_000394.4(CRYAA):c.190-24_190-10del

Gene: CRYAA (crystallin alpha A; plus strand). Cytogenetic location: 21q22.3.
Variant type: Deletion.
Coding change: c.190-24_190-10del on transcript NM_000394.4 (MANE Select); 24 bases into the intron before coding-DNA position 190 through 10 bases into the intron before coding-DNA position 190, 15 bases deleted (CCACATGGCACGTTT).
Molecular consequence: intron variant.
Genome position (GRCh38, 1-based): chr21:43,170,493-43,170,507, CCACATGGCACGTTT deleted; deleting any 15 consecutive bases within chr21:43,170,492-43,170,507 gives the same sequence; the c. name uses the placement nearest the transcript's 3' end. VCF-style (leftmost placement, unchanged base first): chr21-43170491-CTCCACATGGCACGTT-C. GRCh37 (hg19) VCF-style: chr21-44590601-CTCCACATGGCACGTT-C.
Other names: c.79-24_79-10del (NM_001363766.1).
Identifiers: ClinVar variation 2985948 (VCV002985948.3), dbSNP rs2517548320, ClinGen allele CA2544057413.